The following is an entry in ClinVar:

NM_001393997.1(CCAR2):c.1821G>A (p.Pro607=)

Gene: CCAR2 (cell cycle and apoptosis regulator 2; plus strand). Cytogenetic location: 8p21.3.
Variant type: single nucleotide variant.
Coding change: c.1821G>A on transcript NM_001393997.1 (MANE Select); coding-DNA position 1821, G replaced by A.
Protein change: p.Pro607=; no amino-acid change (proline 607 retained).
Molecular consequence: synonymous variant.
Genome position (GRCh38, 1-based): chr8:22,616,224, G>A. VCF-style: chr8-22616224-G-A. GRCh37 (hg19) VCF-style: chr8-22473737-G-A.
Other names: c.1821G>A, p.Pro607= (NM_001363068.2, NM_001363069.2, NM_021174.6).
Identifiers: ClinVar variation 3039673 (VCV003039673.2), dbSNP rs141429680, ClinGen allele CA4670899.
Genomic context (GRCh38, chr8:22,616,224, plus strand): 5'-AGAAGCCATCAAAGAGGAGGTGGTCAAGGAGCCCAAGGATGAGGCACAGAATGAGGGCCC[G>A]GCTACAGAGTCAGAGGCCCCGCTGGTGAGTACCCTGCCACCTCGGGCTGTCATAGTGCTT-3'
Protein context (NP_001380926.1, residues 597-617): EPKDEAQNEG[Pro607=]ATESEAPLKE

ClinVar aggregate classification (germline): Benign (0 of 4 stars; one submission).

Conditions:
CCAR2-related disorder. Also called: CCAR2-related condition.

Allele frequency attached by ClinVar (database versions not stated): ExAC 0.00102; 1000 Genomes Project 30x 0.00187; 1000 Genomes Project 0.00220; ESP Exome Variant Server 0.00277.
gnomAD v4.1: 833 of 1,613,078 alleles (0.052%); highest among the groups gnomAD compares: African/African-American, 0.96%; 5 homozygotes.

Submission:

PreventionGenetics, part of Exact Sciences
Classification: Benign for CCAR2-related condition. Last evaluated: 2019-05-21. Review status: no assertion criteria provided. Collection method: clinical testing. Allele origin: germline.
Comment: This variant is classified as benign based on ACMG/AMP sequence variant interpretation guidelines (Richards et al. 2015 PMID: 25741868, with internal and published modifications).